The following is an entry in ClinVar:

NM_001348716.2(KDM6B):c.3410A>C (p.His1137Pro)

Gene: KDM6B (lysine demethylase 6B; plus strand). Cytogenetic location: 17p13.1.
Variant type: single nucleotide variant.
Coding change: c.3410A>C on transcript NM_001348716.2 (MANE Select); coding-DNA position 3410, A replaced by C.
Protein change: p.His1137Pro; replaces histidine 1137 with proline.
Molecular consequence: missense variant.
Genome position (GRCh38, 1-based): chr17:7,849,698, A>C. VCF-style: chr17-7849698-A-C. GRCh37 (hg19) VCF-style: chr17-7753016-A-C.
Other names: c.3410A>C, p.His1137Pro (NM_001080424.2); short protein forms H1137P.
Identifiers: ClinVar variation 3390072 (VCV003390072.14).

ClinVar aggregate classification (germline): Uncertain significance (1 of 4 stars; one submission).

Submission:

CeGaT Center for Human Genetics Tuebingen
Classification: Uncertain significance. Last evaluated: 2024-11-01. Review status: criteria provided, single submitter. Criteria: CeGaT Center For Human Genetics Tuebingen Variant Classification Criteria Version 2. Collection method: clinical testing. Allele origin: germline. Affected: yes. Observed: 1 variant allele.
Comment: KDM6B: PM2, BP1